The following is an entry in ClinVar:

NM_002471.4(MYH6):c.3604G>A (p.Val1202Met)

Gene: MYH6 (myosin heavy chain 6; minus strand). Cytogenetic location: 14q11.2.
Variant type: single nucleotide variant.
Coding change: c.3604G>A on transcript NM_002471.4 (MANE Select); coding-DNA position 3604, G replaced by A.
Protein change: p.Val1202Met; replaces valine 1202 with methionine.
Molecular consequence: missense variant.
Genome position (GRCh38, 1-based): chr14:23,390,185, C>T on the plus strand (G>A on the coding strand, the complement: MYH6 is on the minus strand). VCF-style: chr14-23390185-C-T. GRCh37 (hg19) VCF-style: chr14-23859394-C-T.
Other names: short protein forms V1202M.
Identifiers: ClinVar variation 312860 (VCV000312860.28), dbSNP rs368451573, ClinGen allele CA7115127.

ClinVar aggregate classification (germline): Conflicting classifications of pathogenicity. Review status: criteria provided, conflicting classifications (1 of 4 stars). 7 submissions from 7 submitters: Uncertain significance (4); Likely benign (1). 2 of the submissions do not count toward it. Last evaluated 2025-10-13.

Conditions:
Cardiovascular phenotype. Identifiers: MedGen CN230736.
Hypertrophic cardiomyopathy 14. Identifiers: MedGen C2750467, MONDO:0013197, OMIM 613251.
Sick sinus syndrome 3, susceptibility to (SSS3). Identifiers: Orphanet 166282, MedGen C3279791, MONDO:0013568, OMIM 614090.
Dilated cardiomyopathy 1EE (CMD1EE). Identifiers: Orphanet 154, MedGen C2750466, MONDO:0013198, OMIM 613252.
Hypertrophic cardiomyopathy 1 (CMH1). Also called: Familial hypertrophic cardiomyopathy 1; MYH7-Related Familial Hypertrophic Cardiomyopathy. Identifiers: MedGen C3495498, MONDO:0008647, OMIM 192600.
Atrial septal defect 3 (ASD3). Identifiers: Orphanet 1478, MedGen C3279790, MONDO:0013567, OMIM 614089.

Allele frequency attached by ClinVar (database versions not stated): TOPMed 0.00009; gnomAD exomes 0.00016 and 0.00010; gnomAD 0.00008 and 0.00014; 1000 Genomes Project 30x 0.00031; 1000 Genomes Project 0.00040; ExAC 0.00023; ESP Exome Variant Server 0.00031.
gnomAD v4.1: 170 of 1,607,176 alleles (0.011%); highest among the groups gnomAD compares: South Asian, 0.072%; no homozygotes.

Submissions (7):

Labcorp Genetics (formerly Invitae), Labcorp
Classification: Likely benign for Hypertrophic cardiomyopathy 14. Last evaluated: 2025-10-13. Review status: criteria provided, single submitter. Criteria: Invitae Variant Classification Sherloc (09022015). Collection method: clinical testing. Allele origin: germline.

Dasa
Classification: Uncertain significance. Last evaluated: 2025-06-18. Review status: criteria provided, single submitter. Criteria: DASA Assertion Criteria. Collection method: clinical testing. Allele origin: germline.
Comment: NM_002471.4(MYH6):c.3604G>A (p.Val1202Met) is a missense variant that results in the substitution of valine with methionine. This variant is rare in population databases. The currently available literature and clinical evidence are not sufficient to establish a definitive association between this variant and the reported condition. Therefore, this variant is classified as a variant of uncertain significance.

Ambry Genetics
Classification: Uncertain significance for Cardiovascular phenotype. Last evaluated: 2023-10-29. Review status: criteria provided, single submitter. Criteria: Ambry Variant Classification Scheme 2023. Collection method: clinical testing. Allele origin: germline.
Comment: The p.V1202M variant (also known as c.3604G>A), located in coding exon 24 of the MYH6 gene, results from a G to A substitution at nucleotide position 3604. The valine at codon 1202 is replaced by methionine, an amino acid with highly similar properties. This variant has been detected in an individual with hypertrophic cardiomyopathy who also had variants in other cardiac-related genes, including a splice site mutation in MYBPC3 (Forleo C et al. PLoS ONE, 2017 Jul;12:e0181842). This alteration has also been reported as a secondary cardiac variant in an exome cohort (Ng D et al. Circ Cardiovasc Genet, 2013 Aug;6:337-46). This amino acid position is well conserved in available vertebrate species; however, methionine is the reference amino acid in other vertebrate species. In addition, this alteration is predicted to be tolerated by in silico analysis. Since supporting evidence is limited at this time, the clinical significance of this alteration remains unclear.

Fulgent Genetics
Classification: Uncertain significance for Hypertrophic cardiomyopathy 1; Hypertrophic cardiomyopathy 14; Dilated cardiomyopathy 1EE; Atrial septal defect 3; Sick sinus syndrome 3, susceptibility to. Last evaluated: 2018-10-31. Review status: criteria provided, single submitter. Criteria: ACMG Guidelines, 2015. Collection method: clinical testing. Allele origin: unknown.

ARUP Laboratories, Molecular Genetics and Genomics, ARUP Laboratories
Classification: Uncertain significance. Last evaluated: 2017-05-05. Review status: criteria provided, single submitter. Criteria: ARUP Molecular Germline Variant Investigation Process. Collection method: clinical testing. Allele origin: germline.
Comment: The p.Val1202Met variant (rs368451573) has not been reported in the medical literature or gene specific variation databases but has been reported to ClinVar (Variation ID:312860) This variant is listed in the NHLBI GO Exome Sequencing Project with an overall population frequency of 0.03 percent (identified on 4 out of 12,956 chromosomes) and is listed in the genome Aggregation Database with an overall population frequency of 0.017 percent (identified on 47 out of 272,478 chromosomes). The valine at position 1202 is highly conserved, up to Opossum (considering 5 species, Alamut v.2.9.0) and computational analyses of the effects of the p.Val1202Met variant on protein structure and function provide conflicting results (SIFT: tolerated, MutationTaster: disease causing, PolyPhen-2: probably damaging). Altogether, there is not enough evidence to classify the p.Val1202Met variant with certainty.

Clinical Genetics DNA and cytogenetics Diagnostics Lab, Erasmus MC, Erasmus Medical Center
Classification: Uncertain significance. Review status: no assertion criteria provided. Collection method: clinical testing. Allele origin: germline. Affected: yes. Study: VKGL Data-share Consensus. Not counted in ClinVar's aggregate classification.

Clinical Genetics, Academic Medical Center
Classification: Uncertain significance. Review status: no assertion criteria provided. Collection method: clinical testing. Allele origin: germline. Affected: yes. Study: VKGL Data-share Consensus. Not counted in ClinVar's aggregate classification.

Literature cited by the submitters: PubMed 23861362 (cited by Ambry Genetics); PubMed 28750076 (cited by Ambry Genetics).